The following is an entry in ClinVar:

NM_016492.5(RANGRF):c.437C>T (p.Pro146Leu)

Genes: RANGRF (RAN guanine nucleotide release factor; plus strand), SLC25A35 (solute carrier family 25 member 35; minus strand). Cytogenetic location: 17p13.1.
Variant type: single nucleotide variant.
Coding change: c.437C>T on transcript NM_016492.5 (MANE Select); coding-DNA position 437, C replaced by T.
Protein change: p.Pro146Leu; replaces proline 146 with leucine.
Molecular consequence: missense variant. On other transcripts: 3 prime UTR variant (4), non-coding transcript variant (2), intron variant (1).
Genome position (GRCh38, 1-based): chr17:8,289,588, C>T. VCF-style: chr17-8289588-C-T. GRCh37 (hg19) VCF-style: chr17-8192906-C-T.
Other names: c.437C>T, p.Pro146Leu (NM_001177801.2); c.*27C>T (NM_001177802.2); c.*28G>A (NM_001320871.2, NM_001320872.2, NM_201520.3); c.351+174C>T (NM_001330127.2); short protein forms P146L.
Identifiers: ClinVar variation 403736 (VCV000403736.10), dbSNP rs765772294, ClinGen allele CA8374417.

ClinVar aggregate classification (germline): Uncertain significance (1 of 4 stars; one submission).

Conditions:
Cardiac arrhythmia. Also called: Arrhythmia; Cardiac rhythm disease. Identifiers: MedGen C0003811, MONDO:0007263, HP:0011675.

Allele frequency attached by ClinVar (database versions not stated): gnomAD 0.00001; gnomAD exomes 0.00003; ExAC 0.00003.
gnomAD v4.1: 18 of 1,611,812 alleles (0.0011%); highest among the groups gnomAD compares: South Asian, 0.011%; no homozygotes.

Submission:

Labcorp Genetics (formerly Invitae), Labcorp
Classification: Uncertain significance for Cardiac arrhythmia. Last evaluated: 2026-01-12. Review status: criteria provided, single submitter. Criteria: Invitae Variant Classification Sherloc (09022015). Collection method: clinical testing. Allele origin: germline.
Comment: This sequence change replaces proline, which is neutral and non-polar, with leucine, which is neutral and non-polar, at codon 146 of the RANGRF protein (p.Pro146Leu). This variant also falls at the last nucleotide of exon 4, which is part of the consensus splice site for this exon. This variant is present in population databases (rs765772294, gnomAD 0.02%). This variant has not been reported in the literature in individuals affected with RANGRF-related conditions. ClinVar contains an entry for this variant (Variation ID: 403736). An algorithm developed to predict the effect of missense changes on protein structure and function (PolyPhen-2) suggests that this variant is likely to be tolerated. Variants that disrupt the consensus splice site are a relatively common cause of aberrant splicing (PMID: 17576681, 9536098). In summary, the available evidence is currently insufficient to determine the role of this variant in disease. Therefore, it has been classified as a Variant of Uncertain Significance.

Literature cited by the submitters: PubMed 17576681; PubMed 9536098.